The following is an entry in ClinVar:

NM_020831.6(MRTFA):c.1643G>A (p.Gly548Asp)

Gene: MRTFA (myocardin related transcription factor A; minus strand). Cytogenetic location: 22q13.1.
Variant type: single nucleotide variant.
Coding change: c.1643G>A on transcript NM_020831.6 (MANE Select); coding-DNA position 1643, G replaced by A.
Protein change: p.Gly548Asp; replaces glycine 548 with aspartic acid.
Molecular consequence: missense variant.
Genome position (GRCh38, 1-based): chr22:40,419,095, C>T on the plus strand (G>A on the coding strand, the complement: MRTFA is on the minus strand). VCF-style: chr22-40419095-C-T. GRCh37 (hg19) VCF-style: chr22-40815099-C-T.
Other names: c.1343G>A, p.Gly448Asp (NM_001282660.2); c.1493G>A, p.Gly498Asp (NM_001282661.3); c.1643G>A, p.Gly548Asp (NM_001282662.3); c.1448G>A, p.Gly483Asp (NM_001318139.2); short protein forms G448D, G548D, G483D, G498D.
Identifiers: ClinVar variation 1935097 (VCV001935097.5), dbSNP rs750617558, ClinGen allele CA411661416.

ClinVar aggregate classification (germline): Uncertain significance (1 of 4 stars; one submission).

gnomAD v4.1: 2 of 1,598,440 alleles (0.00013%); highest among the groups gnomAD compares: Admixed American, 0.0034%; no homozygotes.

Submission:

Labcorp Genetics (formerly Invitae), Labcorp
Classification: Uncertain significance. Last evaluated: 2025-12-08. Review status: criteria provided, single submitter. Criteria: Invitae Variant Classification Sherloc (09022015). Collection method: clinical testing. Allele origin: germline.
Comment: This sequence change replaces glycine, which is neutral and non-polar, with aspartic acid, which is acidic and polar, at codon 448 of the MKL1 protein (p.Gly448Asp). The frequency data for this variant in the population databases is considered unreliable, as metrics indicate poor data quality at this position in the gnomAD database. This variant has not been reported in the literature in individuals affected with MKL1-related conditions. ClinVar contains an entry for this variant (Variation ID: 1935097). An algorithm developed to predict the effect of missense changes on protein structure and function (PolyPhen-2) suggests that this variant is likely to be disruptive. In summary, the available evidence is currently insufficient to determine the role of this variant in disease. Therefore, it has been classified as a Variant of Uncertain Significance.